The following is an entry in ClinVar:

NM_006904.7(PRKDC):c.1004A>G (p.Lys335Arg)

Gene: PRKDC (protein kinase, DNA-activated, catalytic subunit; minus strand). Cytogenetic location: 8q11.21.
Variant type: single nucleotide variant.
Coding change: c.1004A>G on transcript NM_006904.7 (MANE Select); coding-DNA position 1004, A replaced by G.
Protein change: p.Lys335Arg; replaces lysine 335 with arginine.
Molecular consequence: missense variant.
Genome position (GRCh38, 1-based): chr8:47,939,660, T>C on the plus strand (A>G on the coding strand, the complement: PRKDC is on the minus strand). VCF-style: chr8-47939660-T-C. GRCh37 (hg19) VCF-style: chr8-48852220-T-C.
Other names: c.1004A>G, p.Lys335Arg (NM_001081640.2); short protein forms K335R.
Identifiers: ClinVar variation 2449852 (VCV002449852.2), dbSNP rs2551880152, ClinGen allele CA371166794.
Genomic context (GRCh38, chr8:47,939,660, plus strand): 5'-TTCGAATCCACATTTCTGATGATTCCATAAAACTGCTCCATAAAGTACTGCAGTTTATTT[T>C]TATGCATTTCTGCATTTTTCGCCACCATATTAGAAACCTGCAAATACATAATATTTATTT-3'
Protein context (NP_008835.5, residues 325-345): NMVAKNAEMH[Lys335Arg]NKLQYFMEQF

ClinVar aggregate classification (germline): Uncertain significance (1 of 4 stars; one submission).

Submission:

Ambry Genetics
Classification: Uncertain significance. Last evaluated: 2023-01-01. Review status: criteria provided, single submitter. Criteria: Ambry Variant Classification Scheme 2023. Collection method: clinical testing. Allele origin: germline.
Comment: The p.K335R variant (also known as c.1004A>G), located in coding exon 11 of the PRKDC gene, results from an A to G substitution at nucleotide position 1004. The lysine at codon 335 is replaced by arginine, an amino acid with highly similar properties. This amino acid position is conserved. In addition, this alteration is predicted to be tolerated by in silico analysis. Since supporting evidence is limited at this time, the clinical significance of this alteration remains unclear.